The following is an entry in ClinVar:

NM_020297.4(ABCC9):c.1911+1G>A

Gene: ABCC9 (ATP binding cassette subfamily C member 9; minus strand). Cytogenetic location: 12p12.1.
Variant type: single nucleotide variant.
Coding change: c.1911+1G>A on transcript NM_020297.4 (MANE Select); the canonical splice donor site of the intron after coding-DNA position 1911, G replaced by A.
Molecular consequence: splice donor variant.
Genome position (GRCh38, 1-based): chr12:21,887,825, C>T on the plus strand (G>A on the coding strand, the complement: ABCC9 is on the minus strand). VCF-style: chr12-21887825-C-T. GRCh37 (hg19) VCF-style: chr12-22040759-C-T.
Other names: c.1047+1G>A (NM_001377274.1); c.1911+1G>A (NM_005691.4, NM_001377273.1).
Identifiers: ClinVar variation 933981 (VCV000933981.8), dbSNP rs1946956410, ClinGen allele CA384135749.
Genomic context (GRCh38, chr12:21,887,825, plus strand): 5'-TGTCCATTCTGCTGAGACTGTCCTCTATTCACAACTTCCAAAACAAAAATAAAGCACTTA[C>T]AACTCCAGTGTGCTTCTTACAGGACTCAAAAGGAAGCGAACTTTCACCAGTTCGCCAACT-3'

ClinVar aggregate classification (germline): Likely pathogenic (1 of 4 stars; one submission).

Conditions:
Dilated cardiomyopathy 1O (CMD1O). Also called: CARDIOMYOPATHY, DILATED, WITH VENTRICULAR TACHYCARDIA. Identifiers: Orphanet 154, MedGen C1837839, MONDO:0012062, OMIM 608569.

Submission:

Labcorp Genetics (formerly Invitae), Labcorp
Classification: Likely pathogenic for Dilated cardiomyopathy 1O. Last evaluated: 2024-10-01. Review status: criteria provided, single submitter. Criteria: Invitae Variant Classification Sherloc (09022015). Collection method: clinical testing. Allele origin: germline.
Comment: This sequence change affects a donor splice site in intron 13 of the ABCC9 gene. It is expected to disrupt RNA splicing. Variants that disrupt the donor or acceptor splice site typically lead to a loss of protein function (PMID: 16199547), and loss-of-function variants in ABCC9 are known to be pathogenic (PMID: 31575858, 38217872). This variant is not present in population databases (gnomAD no frequency). This variant has not been reported in the literature in individuals affected with ABCC9-related conditions. ClinVar contains an entry for this variant (Variation ID: 933981). Algorithms developed to predict the effect of sequence changes on RNA splicing suggest that this variant may disrupt the consensus splice site. In summary, the currently available evidence indicates that the variant is pathogenic, but additional data are needed to prove that conclusively. Therefore, this variant has been classified as Likely Pathogenic.

Literature cited by the submitters: PubMed 16199547; PubMed 31575858; PubMed 38217872.